The following is an entry in ClinVar:

ClinVar aggregate classification (germline): Pathogenic/Likely pathogenic. Review status: criteria provided, multiple submitters, no conflicts (2 of 4 stars). 13 submissions from 13 submitters: Pathogenic (10); Likely pathogenic (1). 2 of the submissions do not count toward it. Last evaluated 2026-01-25.

Conditions:
DLD-related disorder. Also called: DLD-related condition; DLD-related disorders.
Pyruvate dehydrogenase E3 deficiency (DLDD). Also called: Lipoamide dehydrogenase deficiency; MAPLE SYRUP URINE DISEASE, TYPE III; Dihydrolipoamide Dehydrogenase E3 Deficiency; DLD DEFICIENCY; E3 DEFICIENCY; Lipoamide dehydrogenase deficiency, lactic acidosis due to. Identifiers: Orphanet 2394, Orphanet 765, MedGen C5574660, MONDO:0009529, OMIM 246900.
Inborn genetic diseases. Identifiers: MedGen C0950123, MeSH D030342.

Allele frequency attached by ClinVar (database versions not stated): gnomAD 0.00005 and 0.00006; gnomAD exomes 0.00005 and 0.00010; ExAC 0.00008; TOPMed 0.00009.
gnomAD v4.1: 92 of 1,614,052 alleles (0.0057%); highest among the groups gnomAD compares: Non-Finnish European, 0.0014%; no homozygotes.

Submissions 1 to 10 of 13:

Labcorp Genetics (formerly Invitae), Labcorp
Classification: Pathogenic for Pyruvate dehydrogenase E3 deficiency. Last evaluated: 2026-01-25. Review status: criteria provided, single submitter. Criteria: Invitae Variant Classification Sherloc (09022015). Collection method: clinical testing. Allele origin: germline.
Comment: This sequence change replaces glutamic acid, which is acidic and polar, with lysine, which is basic and polar, at codon 375 of the DLD protein (p.Glu375Lys). This variant is present in population databases (rs121964992, gnomAD 0.2%). This missense change has been observed in individuals with dihydrolipoamide dehydrogenase deficiency (PMID: 9540846, 11687750, 16770810, 18362926, 27290639). This variant is also known as Glu340Lys. ClinVar contains an entry for this variant (Variation ID: 11971). Invitae Evidence Modeling of protein sequence and biophysical properties (such as structural, functional, and spatial information, amino acid conservation, physicochemical variation, residue mobility, and thermodynamic stability) indicates that this missense variant is expected to disrupt DLD protein function with a positive predictive value of 95%. Experimental studies have shown that this missense change affects DLD function (PMID: 18362926, 21558426, 21930696). For these reasons, this variant has been classified as Pathogenic.

GeneDx
Classification: Pathogenic. Last evaluated: 2025-10-31. Review status: criteria provided, single submitter. Criteria: GeneDx Variant Classification Process June 2021. Collection method: clinical testing. Allele origin: germline. Affected: yes.
Comment: In silico analysis supports that this missense variant has a deleterious effect on protein structure/function; Also known as E340K; This variant is associated with the following publications: (PMID: 23995961, 27290639, 24012808, 21930696, 11687750, 9540846, 27544700, 20160912, 32445240, 30283815, 28771251, 21558426, 16770810, 39040027)

Natera, Inc.
Classification: Pathogenic for Maple syrup urine disease type 3. Last evaluated: 2025-08-04. Review status: criteria provided, single submitter. Criteria: Natera Variant Classification Schema (03/2026). Collection method: clinical testing. Allele origin: germline.
Comment: The c.1123G>A variant in DLD is a missense variant predicted to cause substitution of glutamic acid to lysine at amino acid 375. This variant is rare in the general population with a frequency below the threshold expected for the associated phenotype(s). This variant has been observed in one or more individuals affected with the associated recessive disease, as either homozygous or compound heterozygous with a second variant (PMID: 27144126, 18362926, 16770810, 11687750). Additionally, this variant has been observed to segregate in affected family members (PMID: 22231385). This variant has been identified in one or more affected individual with a phenotype highly consistent with the associated gene (PMID: 27144126). Computational prediction algorithms indicate this variant is likely to affect gene or protein function. Given the available evidence, this variant is classified as Pathogenic.

Ambry Genetics
Classification: Pathogenic for Inborn genetic diseases. Last evaluated: 2025-05-30. Review status: criteria provided, single submitter. Criteria: Ambry Variant Classification Scheme 2023. Collection method: clinical testing. Allele origin: germline.
Comment: The c.1123G>A (p.E375K) alteration is located in coding exon 11 of the DLD gene. This alteration results from a G to A substitution at nucleotide position 1123, causing the glutamic acid (E) at amino acid position 375 to be replaced by a lysine (K). Based on data from gnomAD, the A allele has an overall frequency of 0.009% (25/282646) total alleles studied. The highest observed frequency was 0.222% (23/10366) of Ashkenazi Jewish alleles. This variant has been identified in the homozygous state and/or in conjunction with other DLD variants in individuals with features consistent with dihydrolipoamide dehydrogenase deficiency; in at least one instance, the variants were identified in trans (Hong, 1997; Cerna, 2001; Cameron, 2006; Haviv, 2014; Pronicka, 2016; Wongkittichote, 2023). This amino acid position is highly conserved in available vertebrate species. Based on internal structural analysis, this variant is anticipated to disrupt a region of known function (Ambry internal data; Brautigam, 2005; Ambrus, 2013; Ambrus, 2016). In multiple assays testing DLD function, this variant showed functionally abnormal results (Ambrus, 2011; Vaubel, 2011). This alteration is predicted to be deleterious by in silico analysis. Based on the available evidence, this alteration is classified as pathogenic.

Baylor Genetics
Classification: Pathogenic for Pyruvate dehydrogenase E3 deficiency. Last evaluated: 2024-03-24. Review status: criteria provided, single submitter. Criteria: ACMG Guidelines, 2015. Collection method: clinical testing. Allele origin: unknown.

Fulgent Genetics
Classification: Pathogenic for Pyruvate dehydrogenase E3 deficiency. Last evaluated: 2024-02-12. Review status: criteria provided, single submitter. Criteria: ACMG Guidelines, 2015. Collection method: clinical testing. Allele origin: germline.

Department of Pathology and Laboratory Medicine, Sinai Health System
Classification: Pathogenic for pyruvate dehydrogenase E3 deficiency. Last evaluated: 2022-11-29. Review status: criteria provided, single submitter. Criteria: ACMG Guidelines, 2015. Collection method: research. Allele origin: germline.

Women's Health and Genetics/Laboratory Corporation of America, LabCorp
Classification: Pathogenic for Maple syrup urine disease, type 3. Last evaluated: 2020-12-30. Review status: criteria provided, single submitter. Criteria: LabCorp Variant Classification Summary - May 2015. Collection method: clinical testing. Allele origin: germline.
Comment: Variant summary: DLD c.1123G>A (p.Glu375Lys) results in a conservative amino acid change in the encoded protein sequence. Four of five in-silico tools predict a damaging effect of the variant on protein function. The variant allele was found at a frequency of 9.6e-05 in 251282 control chromosomes (gnomAD and publication data). This frequency is not higher than expected for a pathogenic variant in DLD causing Dihydrolipoamide Dehydrogenase Deficiency (MSUD Type 3) (9.6e-05 vs 0.005), allowing no conclusion about variant significance. c.1123G>A has been reported in the literature in the compound heterozygous and homozygous state in multiple individuals affected with Dihydrolipoamide Dehydrogenase Deficiency (Hong_1997, Cerna_2001, Cameron_2006, Rapoport_2008, Ciara_2016). These data indicate that the variant is very likely to be associated with disease. Multiple functional studies report experimental evidence evaluating an impact on protein function and results in reduction in DLD activity (Hong_1997, Cerna_2001, Cameron_2006, Rapoport_2008). Five ClinVar submitters (evaluation after 2014) cite the variant as pathogenic (3x) and likely pathogenic (2x). Based on the evidence outlined above, the variant was classified as pathogenic.

Myriad Genetics, Inc.
Classification: Likely pathogenic for Pyruvate dehydrogenase E3 deficiency. Last evaluated: 2020-01-03. Review status: criteria provided, single submitter. Criteria: Myriad Women's Health Autosomal Recessive and X-Linked Classification Criteria (2019). Collection method: clinical testing. Allele origin: unknown.
Comment: NM_000108.3(DLD):c.1123G>A(E375K) is classified as likely pathogenic in the context of dihydrolipoamide dehydrogenase deficiency. Sources cited for classification include the following: PMID: 23995961, 16442803, 21930696, 21558426, 18362926, 9540846, 11687750 and 16770810. Classification of NM_000108.3(DLD):c.1123G>A(E375K) is based on the following criteria: This variant has been observed more frequently in patients with clinical diagnoses than in healthy populations and there is functional data showing deficient protein function. Please note: this variant was assessed in the context of healthy population screening.

Laboratorio de Genetica e Diagnostico Molecular, Hospital Israelita Albert Einstein
Classification: Pathogenic. Last evaluated: 2019-11-18. Review status: criteria provided, single submitter. Criteria: ACMG Guidelines, 2015. Collection method: clinical testing. Allele origin: germline. Affected: yes.
Comment: ACMG classification criteria: PS3, PS4, PM2, PM3, PP3

NM_000108.5(DLD):c.1123G>A (p.Glu375Lys)

Gene: DLD (dihydrolipoamide dehydrogenase; plus strand). Cytogenetic location: 7q31.1.
Variant type: single nucleotide variant.
Coding change: c.1123G>A on transcript NM_000108.5 (MANE Select); coding-DNA position 1123, G replaced by A.
Protein change: p.Glu375Lys; replaces glutamic acid 375 with lysine.
Molecular consequence: missense variant.
Genome position (GRCh38, 1-based): chr7:107,917,349, G>A. VCF-style: chr7-107917349-G-A. GRCh37 (hg19) VCF-style: chr7-107557794-G-A.
Other names: p.E375K:GAA>AAA; c.826G>A, p.Glu276Lys (NM_001289750.1); c.1054G>A, p.Glu352Lys (NM_001289751.1); c.979G>A, p.Glu327Lys (NM_001289752.1); short protein forms E375K, E352K, E276K, E327K.
Identifiers: ClinVar variation 11971 (VCV000011971.37), dbSNP rs121964992, ClinGen allele CA256137.
Genomic context (GRCh38, chr7:107,917,349, plus strand): 5'-GATGTAGTTGCTGGTCCAATGCTGGCTCACAAAGCAGAGGATGAAGGCATTATCTGTGTT[G>A]AAGGAATGGCTGGTGGTGCTGTGCACATTGACTACAATTGTGTGCCATCAGTGATTTACA-3'
Protein context (NP_000099.2, residues 365-385): KAEDEGIICV[Glu375Lys]GMAGGAVHID